The following is an entry in ClinVar:

NM_002907.4(RECQL):c.1649T>C (p.Leu550Pro)

Gene: RECQL (RecQ like helicase; minus strand). Cytogenetic location: 12p12.1.
Variant type: single nucleotide variant.
Coding change: c.1649T>C on transcript NM_002907.4 (MANE Select); coding-DNA position 1649, T replaced by C.
Protein change: p.Leu550Pro; replaces leucine 550 with proline.
Molecular consequence: missense variant.
Genome position (GRCh38, 1-based): chr12:21,471,446, A>G on the plus strand (T>C on the coding strand, the complement: RECQL is on the minus strand). VCF-style: chr12-21471446-A-G. GRCh37 (hg19) VCF-style: chr12-21624380-A-G.
Other names: c.1649T>C, p.Leu550Pro (NM_032941.3); short protein forms L550P.
Identifiers: ClinVar variation 1777211 (VCV001777211.6), dbSNP rs374170116, ClinGen allele CA233565223.

ClinVar aggregate classification (germline): Uncertain significance. Review status: criteria provided, multiple submitters, no conflicts (2 of 4 stars). 2 submissions from 2 submitters: Uncertain significance (2). Last evaluated 2024-12-02.

gnomAD v4.1: 23 of 1,612,578 alleles (0.0014%); highest among the groups gnomAD compares: Non-Finnish European, 0.002%; no homozygotes.

Submissions (2):

Ambry Genetics
Classification: Uncertain significance. Last evaluated: 2024-12-02. Review status: criteria provided, single submitter. Criteria: Ambry Variant Classification Scheme 2023. Collection method: clinical testing. Allele origin: germline.
Comment: The p.L550P variant (also known as c.1649T>C), located in coding exon 12 of the RECQL gene, results from a T to C substitution at nucleotide position 1649. The leucine at codon 550 is replaced by proline, an amino acid with similar properties. This amino acid position is highly conserved in available vertebrate species. In addition, this alteration is predicted to be deleterious by in silico analysis. Since supporting evidence is limited at this time, the clinical significance of this alteration remains unclear.

Labcorp Genetics (formerly Invitae), Labcorp
Classification: Uncertain significance. Last evaluated: 2023-05-02. Review status: criteria provided, single submitter. Criteria: Invitae Variant Classification Sherloc (09022015). Collection method: clinical testing. Allele origin: germline.
Comment: Advanced modeling of protein sequence and biophysical properties (such as structural, functional, and spatial information, amino acid conservation, physicochemical variation, residue mobility, and thermodynamic stability) performed at Invitae indicates that this missense variant is expected to disrupt RECQL protein function. In summary, the available evidence is currently insufficient to determine the role of this variant in disease. Therefore, it has been classified as a Variant of Uncertain Significance. ClinVar contains an entry for this variant (Variation ID: 1777211). This variant has not been reported in the literature in individuals affected with RECQL-related conditions. This variant is not present in population databases (gnomAD no frequency). This sequence change replaces leucine, which is neutral and non-polar, with proline, which is neutral and non-polar, at codon 550 of the RECQL protein (p.Leu550Pro).